The following is an entry in ClinVar:

NM_006852.6(TLK2):c.307A>C (p.Ser103Arg)

Gene: TLK2 (tousled like kinase 2; plus strand). Cytogenetic location: 17q23.2.
Variant type: single nucleotide variant.
Coding change: c.307A>C on transcript NM_006852.6 (MANE Select); coding-DNA position 307, A replaced by C.
Protein change: p.Ser103Arg; replaces serine 103 with arginine.
Molecular consequence: missense variant. On other transcripts: intron variant (6).
Genome position (GRCh38, 1-based): chr17:62,524,275, A>C. VCF-style: chr17-62524275-A-C. GRCh37 (hg19) VCF-style: chr17-60601636-A-C.
Other names: c.307A>C, p.Ser103Arg (NM_001284333.3, NM_001375270.1, NM_001375271.1); c.-85+1098A>C (NM_001375273.1, NM_001330418.3); c.267+1098A>C (NM_001375272.1, NM_001411074.1, NM_001284363.1); c.405+1098A>C (NM_001375269.1); short protein forms S103R.
Identifiers: ClinVar variation 3777385 (VCV003777385.1).

ClinVar aggregate classification (germline): Uncertain significance (1 of 4 stars; one submission).

Submission:

GeneDx
Classification: Uncertain significance. Last evaluated: 2024-10-13. Review status: criteria provided, single submitter. Criteria: GeneDx Variant Classification Process June 2021. Collection method: clinical testing. Allele origin: germline. Affected: yes.
Comment: Not observed at significant frequency in large population cohorts (gnomAD); In silico analysis indicates that this missense variant does not alter protein structure/function; Has not been previously published as pathogenic or benign to our knowledge